The following is an entry in ClinVar:

NM_001370259.2(MEN1):c.1050-19G>T

Gene: MEN1 (menin 1; minus strand). Cytogenetic location: 11q13.1.
Variant type: single nucleotide variant.
Coding change: c.1050-19G>T on transcript NM_001370259.2 (MANE Select); 19 bases into the intron before coding-DNA position 1050, G replaced by T.
Molecular consequence: intron variant.
Genome position (GRCh38, 1-based): chr11:64,805,789, C>A on the plus strand (G>T on the coding strand, the complement: MEN1 is on the minus strand). VCF-style: chr11-64805789-C-A. GRCh37 (hg19) VCF-style: chr11-64573261-C-A.
Other names: c.1065-19G>T (NM_130804.3, NM_130803.3, NM_000244.4 and 4 more transcripts); c.945-19G>T (NM_001407148.1, NM_001407149.1, NM_001370263.2 and 1 more transcripts); c.1050-19G>T (NM_130799.3, NM_001370260.2, NM_001407152.1 and 3 more transcripts); c.1176-19G>T (NM_001407144.1, NM_001370251.2, NM_001407142.1 and 1 more transcripts); c.1071-19G>T (NM_001407151.1); c.1191-19G>T (NM_001407150.1).
Identifiers: ClinVar variation 2799510 (VCV002799510.4), dbSNP rs1322811280, ClinGen allele CA2739270488.

ClinVar aggregate classification (germline): Likely benign. Review status: criteria provided, multiple submitters, no conflicts (2 of 4 stars). 2 submissions from 2 submitters: Likely benign (2). Last evaluated 2024-11-04.

Conditions:
Multiple endocrine neoplasia, type 1 (MEN1). Also called: MEA I; MEN I; WERMER SYNDROME; Endocrine adenomatosis multiple; MEN 1. Identifiers: Orphanet 652, MedGen C0025267, MeSH D018761, MONDO:0007540, OMIM 131100.

Submissions (2):

Myriad Genetics, Inc.
Classification: Likely benign for Multiple endocrine neoplasia, type 1. Last evaluated: 2024-11-04. Review status: criteria provided, single submitter. Criteria: Myriad Autosomal Dominant, Autosomal Recessive and X-Linked Classification Criteria (2023). Collection method: clinical testing. Allele origin: unknown.
Comment: This variant is considered likely benign. This variant is intronic and is not expected to impact mRNA splicing.

Labcorp Genetics (formerly Invitae), Labcorp
Classification: Likely benign for Multiple endocrine neoplasia, type 1. Last evaluated: 2023-10-22. Review status: criteria provided, single submitter. Criteria: Invitae Variant Classification Sherloc (09022015). Collection method: clinical testing. Allele origin: germline.